The following is an entry in ClinVar:

ClinVar aggregate classification (germline): Likely benign (1 of 4 stars; one submission).

gnomAD v4.1: 9 of 1,610,928 alleles (0.00056%); highest among the groups gnomAD compares: East Asian, 0.013%; no homozygotes.

Submission:

CeGaT Center for Human Genetics Tuebingen
Classification: Likely benign. Last evaluated: 2025-02-01. Review status: criteria provided, single submitter. Criteria: CeGaT Center For Human Genetics Tuebingen Variant Classification Criteria Version 2. Collection method: clinical testing. Allele origin: germline. Affected: yes. Observed: 1 variant allele.
Comment: PAX1: BP4, BP7

NM_001257096.2(PAX1):c.318C>G (p.Gly106=)

Gene: PAX1 (paired box 1; plus strand). Cytogenetic location: 20p11.22.
Variant type: single nucleotide variant.
Coding change: c.318C>G on transcript NM_001257096.2 (MANE Select); coding-DNA position 318, C replaced by G.
Protein change: p.Gly106=; no amino-acid change (glycine 106 retained).
Molecular consequence: synonymous variant.
Genome position (GRCh38, 1-based): chr20:21,706,469, C>G. VCF-style: chr20-21706469-C-G. GRCh37 (hg19) VCF-style: chr20-21687107-C-G.
Other names: c.318C>G, p.Gly106= (NM_006192.5).
Identifiers: ClinVar variation 3772533 (VCV003772533.13).